The following is an entry in ClinVar:

NM_002591.4(PCK1):c.550G>C (p.Val184Leu)

Gene: PCK1 (phosphoenolpyruvate carboxykinase 1; plus strand). Cytogenetic location: 20q13.31.
Variant type: single nucleotide variant.
Coding change: c.550G>C on transcript NM_002591.4 (MANE Select); coding-DNA position 550, G replaced by C.
Protein change: p.Val184Leu; replaces valine 184 with leucine.
Molecular consequence: missense variant.
Genome position (GRCh38, 1-based): chr20:57,562,839, G>C. VCF-style: chr20-57562839-G-C. GRCh37 (hg19) VCF-style: chr20-56137895-G-C.
Other names: short protein forms V184L.
Identifiers: ClinVar variation 338879 (VCV000338879.19), dbSNP rs707555, ClinGen allele CA9922057.

ClinVar aggregate classification (germline): Benign/Likely benign. Review status: criteria provided, multiple submitters, no conflicts (2 of 4 stars). 7 submissions from 7 submitters: Benign (6); Likely benign (1). Last evaluated 2026-02-04.

Conditions:
Phosphoenolpyruvate carboxykinase deficiency, cytosolic (PCKDC). Also called: PCK1 DEFICIENCY, CYTOSOLIC; PEPCK DEFICIENCY, CYTOSOLIC. Identifiers: Orphanet 2880, MedGen C5574905, MONDO:0009866, OMIM 261680.

Allele frequency attached by ClinVar (database versions not stated): gnomAD exomes 0.84145 and 0.85336; 1000 Genomes Project 0.84605; ExAC 0.84626; 1000 Genomes Project 30x 0.85369; gnomAD 0.88413 and 0.89165; TOPMed 0.88714; ESP Exome Variant Server 0.90120.

Submissions (7):

Labcorp Genetics (formerly Invitae), Labcorp
Classification: Benign. Last evaluated: 2026-02-04. Review status: criteria provided, single submitter. Criteria: Invitae Variant Classification Sherloc (09022015). Collection method: clinical testing. Allele origin: germline.

Blueprint Genetics
Classification: Likely benign. Last evaluated: 2024-11-28. Review status: criteria provided, single submitter. Criteria: ACMG Guidelines, 2015. Collection method: clinical testing. Allele origin: germline.

Genome-Nilou Lab
Classification: Benign for Phosphoenolpyruvate carboxykinase deficiency, cytosolic. Last evaluated: 2021-09-05. Review status: criteria provided, single submitter. Criteria: ACMG Guidelines, 2015. Collection method: clinical testing. Allele origin: germline. Affected: no.

Mendelics
Classification: Benign for Phosphoenolpyruvate carboxykinase deficiency, cytosolic. Last evaluated: 2019-05-28. Review status: criteria provided, single submitter. Criteria: Mendelics Assertion Criteria 2017. Collection method: clinical testing. Allele origin: unknown.

GeneDx
Classification: Benign. Last evaluated: 2018-10-08. Review status: criteria provided, single submitter. Criteria: GeneDx Variant Classification Process June 2021. Collection method: clinical testing. Allele origin: germline. Affected: yes.
Comment: This variant is associated with the following publications: (PMID: 19070910)

Illumina Laboratory Services, Illumina
Classification: Benign for Phosphoenolpyruvate carboxykinase deficiency, cytosolic. Last evaluated: 2018-03-06. Review status: criteria provided, single submitter. Criteria: ICSL Variant Classification Criteria 13 December 2019. Collection method: clinical testing. Allele origin: germline.
Comment: This variant was observed in the ICSL laboratory as part of a predisposition screen in an ostensibly healthy population. It had not been previously curated by ICSL or reported in the Human Gene Mutation Database (HGMD: prior to June 1st, 2018), and was therefore a candidate for classification through an automated scoring system. Utilizing variant allele frequency, disease prevalence and penetrance estimates, and inheritance mode, an automated score was calculated to assess if this variant is too frequent to cause the disease. Based on the score and internal cut-off values, a variant classified as benign is not then subjected to further curation. The score for this variant resulted in a classification of benign for this disease.

Breakthrough Genomics
Classification: Benign. Review status: criteria provided, single submitter. Criteria: ACMG Guidelines, 2015. Collection method: not provided. Allele origin: germline. Inheritance: Autosomal recessive inheritance. Affected: yes.